The following is an entry in ClinVar:

NM_194277.3(FRMD7):c.1257G>C (p.Met419Ile)

Gene: FRMD7 (FERM domain containing 7; minus strand). Cytogenetic location: Xq26.2.
Variant type: single nucleotide variant.
Coding change: c.1257G>C on transcript NM_194277.3 (MANE Select); coding-DNA position 1257, G replaced by C.
Protein change: p.Met419Ile; replaces methionine 419 with isoleucine.
Molecular consequence: missense variant.
Genome position (GRCh38, 1-based): chrX:132,078,760, C>G on the plus strand (G>C on the coding strand, the complement: FRMD7 is on the minus strand). VCF-style: chrX-132078760-C-G. GRCh37 (hg19) VCF-style: chrX-131212788-C-G.
Other names: c.1212G>C, p.Met404Ile (NM_001306193.2); short protein forms M404I, M419I.
Identifiers: ClinVar variation 1917194 (VCV001917194.5), dbSNP rs1265640527, ClinGen allele CA414679495.

ClinVar aggregate classification (germline): Uncertain significance (1 of 4 stars; one submission).

Allele frequency attached by ClinVar (database versions not stated): gnomAD 0.00001; gnomAD exomes 0.00001; TOPMed 0.00001.
gnomAD v4.1: 12 of 1,209,291 alleles (0.00099%); highest among the groups gnomAD compares: Non-Finnish European, 0.0013%; no homozygotes.

Submission:

Labcorp Genetics (formerly Invitae), Labcorp
Classification: Uncertain significance. Last evaluated: 2022-06-23. Review status: criteria provided, single submitter. Criteria: Invitae Variant Classification Sherloc (09022015). Collection method: clinical testing. Allele origin: germline.
Comment: This sequence change replaces methionine, which is neutral and non-polar, with isoleucine, which is neutral and non-polar, at codon 419 of the FRMD7 protein (p.Met419Ile). This variant is not present in population databases (gnomAD no frequency). This variant has not been reported in the literature in individuals affected with FRMD7-related conditions. Algorithms developed to predict the effect of missense changes on protein structure and function output the following: SIFT: "Tolerated"; PolyPhen-2: "Benign"; Align-GVGD: "Class C0". The isoleucine amino acid residue is found in multiple mammalian species, which suggests that this missense change does not adversely affect protein function. In summary, the available evidence is currently insufficient to determine the role of this variant in disease. Therefore, it has been classified as a Variant of Uncertain Significance.